The following is an entry in ClinVar:

ClinVar aggregate classification (germline): Uncertain significance (1 of 4 stars; one submission).

Allele frequency attached by ClinVar (database versions not stated): TOPMed 0.00001.

Submission:

GeneDx
Classification: Uncertain significance. Last evaluated: 2023-02-06. Review status: criteria provided, single submitter. Criteria: GeneDx Variant Classification Process June 2021. Collection method: clinical testing. Allele origin: germline. Affected: yes.
Comment: Not observed in large population cohorts (gnomAD); In silico analysis, which includes protein predictors and evolutionary conservation, supports a deleterious effect; Has not been previously published as pathogenic or benign to our knowledge

NM_006015.6(ARID1A):c.3671T>C (p.Met1224Thr)

Genes: ARID1A (AT-rich interaction domain 1A; plus strand), LOC126805670 (CDK7 strongly-dependent group 2 enhancer GRCh37_chr1:27098665-27099864; plus strand). Cytogenetic location: 1p36.11.
Variant type: single nucleotide variant.
Coding change: c.3671T>C on transcript NM_006015.6 (MANE Select); coding-DNA position 3671, T replaced by C.
Protein change: p.Met1224Thr; replaces methionine 1224 with threonine.
Molecular consequence: missense variant.
Genome position (GRCh38, 1-based): chr1:26,772,943, T>C. VCF-style: chr1-26772943-T-C. GRCh37 (hg19) VCF-style: chr1-27099434-T-C.
Other names: c.3671T>C, p.Met1224Thr (NM_139135.4); short protein forms M1224T.
Identifiers: ClinVar variation 1311152 (VCV001311152.5), dbSNP rs2081096741, ClinGen allele CA339167774.